The following is an entry in ClinVar:

ClinVar aggregate classification (germline): Uncertain significance (1 of 4 stars; one submission).

Submission:

Ambry Genetics
Classification: Uncertain significance. Last evaluated: 2025-03-30. Review status: criteria provided, single submitter. Criteria: Ambry Variant Classification Scheme 2023. Collection method: clinical testing. Allele origin: germline.
Comment: The p.L147R variant (also known as c.440T>G), located in coding exon 1 of the PALLD gene, results from a T to G substitution at nucleotide position 440. The leucine at codon 147 is replaced by arginine, an amino acid with dissimilar properties. This amino acid position is conserved. In addition, the in silico prediction for this alteration is inconclusive. Since supporting evidence is limited at this time, the clinical significance of this alteration remains unclear.

NM_001166108.2(PALLD):c.1965-12591T>G

Gene: PALLD (palladin, cytoskeletal associated protein; plus strand). Cytogenetic location: 4q32.3.
Variant type: single nucleotide variant.
Coding change: c.1965-12591T>G on transcript NM_001166108.2 (MANE Select); 12591 bases into the intron before coding-DNA position 1965, T replaced by G.
Molecular consequence: intron variant. On other transcripts: missense variant (1).
Genome position (GRCh38, 1-based): chr4:168,878,331, T>G. VCF-style: chr4-168878331-T-G. GRCh37 (hg19) VCF-style: chr4-169799482-T-G.
Other names: c.440T>G, p.Leu147Arg (NM_001166110.2); c.1965-12591T>G (NM_016081.4); c.819-12591T>G (NM_001166109.2); c.-157-12591T>G (NM_001367570.1, NM_001367568.1, NM_001367567.1 and 1 more transcripts); short protein forms L147R.
Identifiers: ClinVar variation 1740395 (VCV001740395.3), dbSNP rs1752107270, ClinGen allele CA358796686.